The following is an entry in ClinVar:

NM_177400.3(NKX6-2):c.238C>T (p.Pro80Ser)

Gene: NKX6-2 (NK6 homeobox 2; minus strand). Cytogenetic location: 10q26.3.
Variant type: single nucleotide variant.
Coding change: c.238C>T on transcript NM_177400.3 (MANE Select); coding-DNA position 238, C replaced by T.
Protein change: p.Pro80Ser; replaces proline 80 with serine.
Molecular consequence: missense variant.
Genome position (GRCh38, 1-based): chr10:132,785,711, G>A on the plus strand (C>T on the coding strand, the complement: NKX6-2 is on the minus strand). VCF-style: chr10-132785711-G-A. GRCh37 (hg19) VCF-style: chr10-134599215-G-A.
Other names: short protein forms P80S.
Identifiers: ClinVar variation 1305642 (VCV001305642.3), dbSNP rs1445520283, ClinGen allele CA378771518.
Genomic context (GRCh38, chr10:132,785,711, plus strand): 5'-CCACAGCGGCCGCGGGCCCGAAGTAAACGCCGGCGGACGACGCGAGCCCGTTGAGCCGGG[G>A]CAGCCCCCCCAGGAGGCCCCCGCCCGCCGCGCCCACGGGCCGGCCCAGGATGTCGCTGAT-3'
Protein context (NP_796374.2, residues 70-90): AAGGGLLGGL[Pro80Ser]RLNGLASSAG

ClinVar aggregate classification (germline): Uncertain significance. Review status: criteria provided, multiple submitters, no conflicts (2 of 4 stars). 2 submissions from 2 submitters: Uncertain significance (2). Last evaluated 2024-02-21.

Conditions:
Inborn genetic diseases. Identifiers: MedGen C0950123, MeSH D030342.

Allele frequency attached by ClinVar (database versions not stated): gnomAD exomes 0.00001; gnomAD 0.00002; TOPMed 0.00002.

Submissions (2):

Ambry Genetics
Classification: Uncertain significance for Inborn genetic diseases. Last evaluated: 2024-02-21. Review status: criteria provided, single submitter. Criteria: Ambry Variant Classification Scheme 2023. Collection method: clinical testing. Allele origin: germline.

GeneDx
Classification: Uncertain significance. Last evaluated: 2019-05-17. Review status: criteria provided, single submitter. Criteria: GeneDx Variant Classification Process June 2021. Collection method: clinical testing. Allele origin: germline. Affected: yes.
Comment: Not observed in large population cohorts (Lek et al., 2016); In silico analysis, which includes protein predictors and evolutionary conservation, supports a deleterious effect; Has not been previously published as pathogenic or benign to our knowledge